The following is an entry in ClinVar:

NM_001943.5(DSG2):c.2737T>A (p.Ser913Thr)

Genes: DSG2-AS1 (DSG2 antisense RNA 1; minus strand), DSG2 (desmoglein 2; plus strand). Cytogenetic location: 18q12.1.
Variant type: single nucleotide variant.
Coding change: c.2737T>A on transcript NM_001943.5 (MANE Select); coding-DNA position 2737, T replaced by A.
Protein change: p.Ser913Thr; replaces serine 913 with threonine.
Molecular consequence: missense variant.
Genome position (GRCh38, 1-based): chr18:31,546,123, T>A. VCF-style: chr18-31546123-T-A. GRCh37 (hg19) VCF-style: chr18-29126086-T-A.
Other names: short protein forms S913T.
Identifiers: ClinVar variation 2775241 (VCV002775241.2), dbSNP rs747507183, ClinGen allele CA402146498.
Genomic context (GRCh38, chr18:31,546,123, plus strand): 5'-TCTTTGCAAGAAGCCAATGCAGAGAAAGTAACTCAGGAAATAGTCACTGAAAGATCTGTG[T>A]CTTCTAGGCAGGCGCAAAAGGTAGCTACACCTCTTCCTGACCCAATGGCTTCTAGAAATG-3'
Protein context (NP_001934.2, residues 903-923): TQEIVTERSV[Ser913Thr]SRQAQKVATP

ClinVar aggregate classification (germline): Uncertain significance (1 of 4 stars; one submission).

Conditions:
Cardiomyopathy (CMYO). Also called: Cardiomyopathies. Identifiers: Orphanet 167848, MedGen C0878544, MONDO:0004994, HP:0001638. Inheritance: Various modes of inheritance.

Submission:

Color Diagnostics, LLC DBA Color Health
Classification: Uncertain significance for Cardiomyopathy. Last evaluated: 2024-03-06. Review status: criteria provided, single submitter. Criteria: ACMG Guidelines, 2015. Collection method: clinical testing. Allele origin: germline.
Comment: This missense variant replaces serine with threonine at codon 913 of the DSG2 protein. Computational prediction suggests that this variant may not impact protein structure and function (internally defined REVEL score threshold <= 0.5, PMID: 27666373). To our knowledge, functional studies have not been reported for this variant. This variant has not been reported in individuals affected with cardiovascular disorders in the literature. This variant has not been identified in the general population by the Genome Aggregation Database (gnomAD). The available evidence is insufficient to determine the role of this variant in disease conclusively. Therefore, this variant is classified as a Variant of Uncertain Significance.